The following is an entry in ClinVar:

ClinVar aggregate classification (germline): Uncertain significance (1 of 4 stars; one submission).

Submission:

GeneDx
Classification: Uncertain significance. Last evaluated: 2024-11-22. Review status: criteria provided, single submitter. Criteria: GeneDx Variant Classification Process June 2021. Collection method: clinical testing. Allele origin: germline. Affected: yes.
Comment: Not observed at significant frequency in large population cohorts (gnomAD); In silico analysis supports that this missense variant has a deleterious effect on protein structure/function; Has not been previously published as pathogenic or benign to our knowledge

NM_001829.4(CLCN3):c.1996C>G (p.Pro666Ala)

Gene: CLCN3 (chloride voltage-gated channel 3; plus strand). Cytogenetic location: 4q33.
Variant type: single nucleotide variant.
Coding change: c.1996C>G on transcript NM_001829.4 (MANE Select); coding-DNA position 1996, C replaced by G.
Protein change: p.Pro666Ala; replaces proline 666 with alanine.
Molecular consequence: missense variant.
Genome position (GRCh38, 1-based): chr4:169,707,113, C>G. VCF-style: chr4-169707113-C-G. GRCh37 (hg19) VCF-style: chr4-170628264-C-G.
Other names: c.1915C>G, p.Pro639Ala (NM_001243372.2, NM_001243374.2); c.1996C>G, p.Pro666Ala (NM_173872.4); short protein forms P639A, P666A.
Identifiers: ClinVar variation 3372709 (VCV003372709.2).
Genomic context (GRCh38, chr4:169,707,113, plus strand): 5'-GAAGAATTCACTCATACCACCCTGGCTGCTGACGTTATGAGACCTCGAAGGAATGATCCT[C>G]CCTTAGCTGTCCTGACACAGGACAATATGACAGTGGATGATATAGAAAACATGATTAATG-3'
Protein context (NP_001820.2, residues 656-676): DVMRPRRNDP[Pro666Ala]LAVLTQDNMT